The following is an entry in ClinVar:

NM_003036.4(SKI):c.581C>A (p.Ala194Asp)

Gene: SKI (SKI proto-oncogene; plus strand). Cytogenetic location: 1p36.33.
Variant type: single nucleotide variant.
Coding change: c.581C>A on transcript NM_003036.4 (MANE Select); coding-DNA position 581, C replaced by A.
Protein change: p.Ala194Asp; replaces alanine 194 with aspartic acid.
Molecular consequence: missense variant.
Genome position (GRCh38, 1-based): chr1:2,229,347, C>A. VCF-style: chr1-2229347-C-A. GRCh37 (hg19) VCF-style: chr1-2160786-C-A.
Other names: short protein forms A194D.
Identifiers: ClinVar variation 1354096 (VCV001354096.11), dbSNP rs746882046, ClinGen allele CA536415.

ClinVar aggregate classification (germline): Conflicting classifications of pathogenicity. Review status: criteria provided, conflicting classifications (1 of 4 stars). 2 submissions from 2 submitters: Uncertain significance (1); Likely benign (1). Last evaluated 2026-04-27.

Conditions:
Familial thoracic aortic aneurysm and aortic dissection (TAAD). Also called: Thoracic aortic aneurysms and dissections. Identifiers: Orphanet 91387, MedGen C4707243, MONDO:0019625.
Shprintzen-Goldberg syndrome (SGS). Also called: SHPRINTZEN-GOLDBERG CRANIOSYNOSTOSIS SYNDROME; CRANIOSYNOSTOSIS WITH ARACHNODACTYLY AND ABDOMINAL HERNIAS; Marfanoid disorder with craniosynostosis type 1; Marfanoid craniosynostosis syndrome; Shprintzen-Goldberg marfanoid syndrome. Identifiers: Orphanet 2462, MedGen C1321551, MONDO:0008426, OMIM 182212.

Allele frequency attached by ClinVar (database versions not stated): TOPMed below 0.00001; ExAC 0.00002; gnomAD exomes below 0.00001.
gnomAD v4.1: 6 of 1,595,518 alleles (0.00038%); highest among the groups gnomAD compares: Non-Finnish European, 0.00051%; no homozygotes.

Submissions (2):

Ambry Genetics
Classification: Uncertain significance for Familial thoracic aortic aneurysm and aortic dissection. Last evaluated: 2026-04-27. Review status: criteria provided, single submitter. Criteria: Ambry Variant Classification Scheme 2023. Collection method: clinical testing. Allele origin: germline.
Comment: The c.581C>A (p.A194D) alteration is located in exon 1 (coding exon 1) of the SKI gene. This alteration results from a C to A substitution at nucleotide position 581, causing the alanine (A) at amino acid position 194 to be replaced by an aspartic acid (D). Based on data from gnomAD, the A allele has an overall frequency of <0.001% (1/210972) total alleles studied. The highest observed frequency was 0.009% (1/11326) of African alleles. Based on insufficient or conflicting evidence, the clinical significance of this alteration remains unclear.

Labcorp Genetics (formerly Invitae), Labcorp
Classification: Likely benign for Shprintzen-Goldberg syndrome. Last evaluated: 2026-01-01. Review status: criteria provided, single submitter. Criteria: Invitae Variant Classification Sherloc (09022015). Collection method: clinical testing. Allele origin: germline.